The following is an entry in ClinVar:

ClinVar aggregate classification (germline): Uncertain significance. Review status: criteria provided, multiple submitters, no conflicts (2 of 4 stars). 2 submissions from 2 submitters: Uncertain significance (2). Last evaluated 2025-11-08.

Conditions:
Hereditary cancer-predisposing syndrome. Also called: Neoplastic Syndromes, Hereditary; Hereditary Cancer Syndrome; Hereditary neoplastic syndrome; Tumor predisposition. Identifiers: Orphanet 140162, MedGen C0027672, MeSH D009386, MONDO:0015356.

gnomAD v4.1: 4 of 1,613,934 alleles (0.00025%); highest among the groups gnomAD compares: Non-Finnish European, 0.00025%; no homozygotes.

Submissions (2):

Ambry Genetics
Classification: Uncertain significance for Hereditary cancer-predisposing syndrome. Last evaluated: 2025-11-08. Review status: criteria provided, single submitter. Criteria: Ambry Variant Classification Scheme 2023. Collection method: clinical testing. Allele origin: germline.
Comment: The p.D197A variant (also known as c.590A>C), located in coding exon 6 of the FANCC gene, results from an A to C substitution at nucleotide position 590. The aspartic acid at codon 197 is replaced by alanine, an amino acid with dissimilar properties. This amino acid position is conserved. In addition, this alteration is predicted to be tolerated by in silico analysis. Since supporting evidence is limited at this time, the clinical significance of this alteration remains unclear.

Quest Diagnostics Nichols Institute San Juan Capistrano
Classification: Uncertain significance. Last evaluated: 2024-11-05. Review status: criteria provided, single submitter. Criteria: Quest Diagnostics criteria. Collection method: clinical testing. Allele origin: unknown.
Comment: The FANCC c.590A>C (p.Asp197Ala) variant has not been reported in individuals with FANCC-related conditions in the published literature. It also has not been reported in large, multi-ethnic general populations (Genome Aggregation Database). Analysis of this variant using bioinformatics tools for the prediction of the effect of amino acid changes on protein structure and function yielded predictions that this variant is benign. Based on the available information, we are unable to determine the clinical significance of this variant.

NM_000136.3(FANCC):c.590A>C (p.Asp197Ala)

Genes: AOPEP (aminopeptidase O (putative); plus strand), FANCC (FA complementation group C; minus strand). Cytogenetic location: 9q22.32.
Variant type: single nucleotide variant.
Coding change: c.590A>C on transcript NM_000136.3 (MANE Select); coding-DNA position 590, A replaced by C.
Protein change: p.Asp197Ala; replaces aspartic acid 197 with alanine.
Molecular consequence: missense variant.
Genome position (GRCh38, 1-based): chr9:95,150,019, T>G on the plus strand (A>C on the coding strand, the complement: FANCC is on the minus strand). VCF-style: chr9-95150019-T-G. GRCh37 (hg19) VCF-style: chr9-97912301-T-G.
Other names: c.590A>C, p.Asp197Ala (NM_001243743.2, NM_001243744.2); short protein forms D197A.
Identifiers: ClinVar variation 2560856 (VCV002560856.4), dbSNP rs1064793625, ClinGen allele CA374109709.